The following is an entry in ClinVar:

NM_024753.5(TTC21B):c.2324C>T (p.Ala775Val)

Gene: TTC21B (tetratricopeptide repeat domain 21B; minus strand). Cytogenetic location: 2q24.3.
Variant type: single nucleotide variant.
Coding change: c.2324C>T on transcript NM_024753.5 (MANE Select); coding-DNA position 2324, C replaced by T.
Protein change: p.Ala775Val; replaces alanine 775 with valine.
Molecular consequence: missense variant.
Genome position (GRCh38, 1-based): chr2:165,911,464, G>A on the plus strand (C>T on the coding strand, the complement: TTC21B is on the minus strand). VCF-style: chr2-165911464-G-A. GRCh37 (hg19) VCF-style: chr2-166767974-G-A.
Other names: c.2324C>T (NM_024753.4); short protein forms A775V.
Identifiers: ClinVar variation 1429151 (VCV001429151.8), dbSNP rs753608608, ClinGen allele CA1941852.

ClinVar aggregate classification (germline): Uncertain significance. Review status: criteria provided, multiple submitters, no conflicts (2 of 4 stars). 4 submissions from 4 submitters: Uncertain significance (4). Last evaluated 2024-11-22.

Conditions:
TTC21B-related disorder. Also called: TTC21B-related disorders; TTC21B-related condition.
Nephronophthisis. Also called: Juvenile Nephronophthisis. Identifiers: Orphanet 655, MedGen C0687120, MONDO:0019005, HP:0000090.
Jeune thoracic dystrophy. Also called: Jeune syndrome; Infantile thoracic dystrophy; Thoracic pelvic phalangeal dystrophy; Jeune's syndrome; Chondroectodermal dysplasia-like syndrome; Short-rib thoracic dysplasia. Identifiers: Orphanet 474, MedGen C0265275, MONDO:0018770.
Nephronophthisis 12 (NPHP12). Identifiers: Orphanet 655, MedGen C3151186, MONDO:0013442, OMIM 613820.
Asphyxiating thoracic dystrophy 4 (SRTD4). Also called: SHORT-RIB THORACIC DYSPLASIA 4 WITH OR WITHOUT POLYDACTYLY; SHORT-RIB THORACIC DYSPLASIA 4. Identifiers: Orphanet 474, MedGen C3151185, MONDO:0013441, OMIM 613819.

Allele frequency attached by ClinVar (database versions not stated): gnomAD exomes below 0.00001; ExAC 0.00001; gnomAD 0.00001.
gnomAD v4.1: 5 of 1,613,464 alleles (0.00031%); highest among the groups gnomAD compares: Non-Finnish European, 0.000085%; no homozygotes.

Submissions (4):

PreventionGenetics, part of Exact Sciences
Classification: Uncertain significance for TTC21B-related condition. Last evaluated: 2024-11-22. Review status: criteria provided, single submitter. Criteria: ACMG Guidelines, 2015. Collection method: clinical testing. Allele origin: germline.
Comment: The TTC21B c.2324C>T variant is predicted to result in the amino acid substitution p.Ala775Val. To our knowledge, this variant has not been reported in the literature. This variant is reported in 0.00088% of alleles in individuals of European (Non-Finnish) descent in gnomAD. At this time, the clinical significance of this variant is uncertain due to the absence of conclusive functional and genetic evidence.

Fulgent Genetics
Classification: Uncertain significance for Asphyxiating thoracic dystrophy 4; Nephronophthisis 12. Last evaluated: 2024-03-17. Review status: criteria provided, single submitter. Criteria: ACMG Guidelines, 2015. Collection method: clinical testing. Allele origin: germline.

Labcorp Genetics (formerly Invitae), Labcorp
Classification: Uncertain significance for Jeune thoracic dystrophy; Nephronophthisis. Last evaluated: 2022-10-05. Review status: criteria provided, single submitter. Criteria: Invitae Variant Classification Sherloc (09022015). Collection method: clinical testing. Allele origin: germline.
Comment: In summary, the available evidence is currently insufficient to determine the role of this variant in disease. Therefore, it has been classified as a Variant of Uncertain Significance. Algorithms developed to predict the effect of sequence changes on RNA splicing suggest that this variant may create or strengthen a splice site. Algorithms developed to predict the effect of missense changes on protein structure and function (SIFT, PolyPhen-2, Align-GVGD) all suggest that this variant is likely to be disruptive. ClinVar contains an entry for this variant (Variation ID: 1429151). This variant has not been reported in the literature in individuals affected with TTC21B-related conditions. This variant is present in population databases (rs753608608, gnomAD 0.0009%). This sequence change replaces alanine, which is neutral and non-polar, with valine, which is neutral and non-polar, at codon 775 of the TTC21B protein (p.Ala775Val).

Breakthrough Genomics
Classification: Uncertain significance. Review status: criteria provided, single submitter. Criteria: ACMG Guidelines, 2015. Collection method: not provided. Allele origin: germline. Inheritance: Autosomal recessive inheritance. Affected: yes.